The following is an entry in ClinVar:

ClinVar aggregate classification (germline): Likely benign. Review status: criteria provided, multiple submitters, no conflicts (2 of 4 stars). 2 submissions from 2 submitters: Likely benign (2). Last evaluated 2025-01-28.

Conditions:
AP4B1-related disorder. Also called: AP4B1-related condition.
Hereditary spastic paraplegia 47. Also called: CEREBRAL PALSY, SPASTIC QUADRIPLEGIC, 5; Spastic paraplegia 47, autosomal recessive; adaptor protein 4 (AP-4) deficiency syndrome. Identifiers: Orphanet 280763, MedGen C3279738, MONDO:0013551, OMIM 614066.

Allele frequency attached by ClinVar (database versions not stated): gnomAD 0.00001; TOPMed 0.00001; ExAC 0.00004.
gnomAD v4.1: 27 of 1,614,062 alleles (0.0017%); highest among the groups gnomAD compares: South Asian, 0.0088%; no homozygotes.

Submissions (2):

PreventionGenetics, part of Exact Sciences
Classification: Likely benign for AP4B1-related condition. Last evaluated: 2025-01-28. Review status: criteria provided, single submitter. Criteria: ACMG Guidelines, 2015. Collection method: clinical testing. Allele origin: germline.
Comment: This variant is classified as likely benign based on ACMG/AMP sequence variant interpretation guidelines (Richards et al. 2015 PMID: 25741868, with internal and published modifications).

Labcorp Genetics (formerly Invitae), Labcorp
Classification: Likely benign for Hereditary spastic paraplegia 47. Last evaluated: 2023-11-27. Review status: criteria provided, single submitter. Criteria: Invitae Variant Classification Sherloc (09022015). Collection method: clinical testing. Allele origin: germline.

NM_001253852.3(AP4B1):c.1644G>A (p.Pro548=)

Genes: AP4B1 (adaptor related protein complex 4 subunit beta 1; minus strand), AP4B1-AS1 (AP4B1 antisense RNA 1; plus strand). Cytogenetic location: 1p13.2.
Variant type: single nucleotide variant.
Coding change: c.1644G>A on transcript NM_001253852.3 (MANE Select); coding-DNA position 1644, G replaced by A.
Protein change: p.Pro548=; no amino-acid change (proline 548 retained).
Molecular consequence: synonymous variant.
Genome position (GRCh38, 1-based): chr1:113,895,905, C>T on the plus strand (G>A on the coding strand, the complement: AP4B1 is on the minus strand). VCF-style: chr1-113895905-C-T. GRCh37 (hg19) VCF-style: chr1-114438527-C-T.
Other names: c.1644G>A (NM_006594.4); c.1347G>A, p.Pro449= (NM_001253853.3); c.1140G>A, p.Pro380= (NM_001308312.2); c.1644G>A, p.Pro548= (NM_006594.5).
Identifiers: ClinVar variation 2057128 (VCV002057128.5), dbSNP rs376974229, ClinGen allele CA1015743.
Genomic context (GRCh38, chr1:113,895,905, plus strand): 5'-GCCATACACTGGCACCAGTGTGTTGAAGTCTGAGGCCCAGCTATTCACAGGTCTTTCTGC[C>T]GGATCCTCCAAAAGTCCAAGAGTAGGGTCAGATTTAGGGCTACACAGAATCCGCTTAACT-3'
Protein context (NP_001240781.1, residues 538-558): SDPTLGLLED[Pro548=]AERPVNSWAS